The following is an entry in ClinVar:

NM_152703.5(SAMD9L):c.2006T>A (p.Ile669Asn)

Gene: SAMD9L (sterile alpha motif domain containing 9 like; minus strand). Cytogenetic location: 7q21.2.
Variant type: single nucleotide variant.
Coding change: c.2006T>A on transcript NM_152703.5 (MANE Select); coding-DNA position 2006, T replaced by A.
Protein change: p.Ile669Asn; replaces isoleucine 669 with asparagine.
Molecular consequence: missense variant.
Genome position (GRCh38, 1-based): chr7:93,133,966, A>T on the plus strand (T>A on the coding strand, the complement: SAMD9L is on the minus strand). VCF-style: chr7-93133966-A-T. GRCh37 (hg19) VCF-style: chr7-92763279-A-T.
Other names: c.2006T>A, p.Ile669Asn (NM_001303496.3, NM_001303497.3, NM_001303498.3 and 5 more transcripts); short protein forms I669N.
Identifiers: ClinVar variation 4864013 (VCV004864013.1).

ClinVar aggregate classification (germline): Uncertain significance (1 of 4 stars; one submission).

Conditions:
Inborn genetic diseases. Identifiers: MedGen C0950123, MeSH D030342.

gnomAD v4.1: 1 of 1,613,700 alleles (0.000062%); highest among the groups gnomAD compares: Non-Finnish European, 0.000085%; no homozygotes.

Submission:

Ambry Genetics
Classification: Uncertain significance for Inborn genetic diseases. Last evaluated: 2026-05-24. Review status: criteria provided, single submitter. Criteria: Ambry Variant Classification Scheme 2023. Collection method: clinical testing. Allele origin: germline.
Comment: The p.I669N variant (also known as c.2006T>A), located in coding exon 1 of the SAMD9L gene, results from a T to A substitution at nucleotide position 2006. The isoleucine at codon 669 is replaced by asparagine, an amino acid with dissimilar properties. This amino acid position is conserved. In addition, this alteration is predicted to be tolerated by in silico analysis. Based on the available evidence, the clinical significance of this variant remains unclear.